The following is an entry in ClinVar:

ClinVar aggregate classification (germline): Likely benign. Review status: criteria provided, multiple submitters, no conflicts (2 of 4 stars). 2 submissions from 2 submitters: Likely benign (2). Last evaluated 2025-12-17.

Allele frequency attached by ClinVar (database versions not stated): ExAC 0.00003; TOPMed 0.00003; gnomAD 0.00004; gnomAD exomes 0.00007; 1000 Genomes Project 30x 0.00016; 1000 Genomes Project 0.00020.
gnomAD v4.1: 102 of 1,614,188 alleles (0.0063%); highest among the groups gnomAD compares: Non-Finnish European, 0.0081%; no homozygotes.

Submissions (2):

Mayo Clinic Laboratories, Mayo Clinic
Classification: Likely benign. Last evaluated: 2025-12-17. Review status: criteria provided, single submitter. Criteria: ACMG Guidelines, 2015. Collection method: clinical testing. Allele origin: germline. Observed: 1 variant allele.
Comment: BP4, BP7

Labcorp Genetics (formerly Invitae), Labcorp
Classification: Likely benign. Last evaluated: 2022-07-02. Review status: criteria provided, single submitter. Criteria: Invitae Variant Classification Sherloc (09022015). Collection method: clinical testing. Allele origin: germline.

NM_001003841.3(SLC6A19):c.1866A>G (p.Thr622=)

Gene: SLC6A19 (solute carrier family 6 member 19; plus strand). Cytogenetic location: 5p15.33.
Variant type: single nucleotide variant.
Coding change: c.1866A>G on transcript NM_001003841.3 (MANE Select); coding-DNA position 1866, A replaced by G.
Protein change: p.Thr622=; no amino-acid change (threonine 622 retained).
Molecular consequence: synonymous variant.
Genome position (GRCh38, 1-based): chr5:1,221,865, A>G. VCF-style: chr5-1221865-A-G. GRCh37 (hg19) VCF-style: chr5-1221980-A-G.
Other names: p.Thr622=.
Identifiers: ClinVar variation 1955914 (VCV001955914.6), dbSNP rs546913497, ClinGen allele CA3183314.